The following is an entry in ClinVar:

NM_006031.6(PCNT):c.1637del (p.Gln546fs)

Gene: PCNT (pericentrin; plus strand). Cytogenetic location: 21q22.3.
Variant type: Deletion.
Coding change: c.1637del on transcript NM_006031.6 (MANE Select); coding-DNA position 1637, one base deleted (A; older notation c.1637delA).
Protein change: p.Gln546fs; shifts the reading frame from glutamine 546.
Molecular consequence: frameshift variant.
Genome position (GRCh38, 1-based): chr21:46,353,284, A deleted. VCF-style (leftmost placement, unchanged base first): chr21-46353283-CA-C. GRCh37 (hg19) VCF-style: chr21-47773197-CA-C.
Other names: c.1283del, p.Gln428fs (NM_001315529.2); short protein forms Q428fs, Q546fs.
Identifiers: ClinVar variation 1443277 (VCV001443277.6), dbSNP rs2146655550, ClinGen allele CA2573157668.

ClinVar aggregate classification (germline): Pathogenic (1 of 4 stars; one submission).

Submission:

Labcorp Genetics (formerly Invitae), Labcorp
Classification: Pathogenic. Last evaluated: 2023-08-10. Review status: criteria provided, single submitter. Criteria: Invitae Variant Classification Sherloc (09022015). Collection method: clinical testing. Allele origin: germline.
Comment: For these reasons, this variant has been classified as Pathogenic. ClinVar contains an entry for this variant (Variation ID: 1443277). This variant has not been reported in the literature in individuals affected with PCNT-related conditions. This variant is not present in population databases (gnomAD no frequency). This sequence change creates a premature translational stop signal (p.Gln546Argfs*21) in the PCNT gene. It is expected to result in an absent or disrupted protein product. Loss-of-function variants in PCNT are known to be pathogenic (PMID: 18174396, 22821869).

Literature cited by the submitters: PubMed 18174396; PubMed 22821869.